The following is an entry in ClinVar:

NM_000532.5(PCCB):c.1214_1217dup (p.Gly407fs)

Gene: PCCB (propionyl-CoA carboxylase subunit beta; plus strand). Cytogenetic location: 3q22.3.
Variant type: Duplication.
Coding change: c.1214_1217dup on transcript NM_000532.5 (MANE Select); coding-DNA positions 1214 to 1217, 4 bases duplicated (ACGG; older notation c.1214_1217dupACGG).
Protein change: p.Gly407fs; shifts the reading frame from glycine 407.
Molecular consequence: frameshift variant.
Genome position (GRCh38, 1-based): chr3:136,327,170-136,327,173, ACGG duplicated. VCF-style (leftmost placement, unchanged base first): chr3-136327169-T-TACGG. GRCh37 (hg19) VCF-style: chr3-136046011-T-TACGG.
Other names: c.1274_1277dup, p.Gly427fs (NM_001178014.2); short protein forms G407fs, G427fs.
Identifiers: ClinVar variation 4814325 (VCV004814325.1).

ClinVar aggregate classification (germline): Likely pathogenic (1 of 4 stars; one submission).

Conditions:
Propionic acidemia (PROP). Also called: GLYCINEMIA, KETOTIC; HYPERGLYCINEMIA WITH KETOACIDOSIS AND LEUKOPENIA; KETOTIC HYPERGLYCINEMIA. Identifiers: Orphanet 35, MedGen C0268579, MONDO:0011628, OMIM 606054, HP:0003571.

Submission:

Natera, Inc.
Classification: Likely pathogenic for Propionic acidemia. Last evaluated: 2024-04-24. Review status: criteria provided, single submitter. Criteria: Natera Variant Classification Schema (03/2026). Collection method: clinical testing. Allele origin: germline.
Comment: The c.1214_1217dupACGG variant in PCCB is a frameshift variant predicted to shift the reading frame beginning at codon 407 and leads to a stop codon 16 codons downstream. This variant is expected to result in nonsense mediated decay, truncation, or a dysfunctional protein product. This variant is rare in the general population with a frequency below the threshold expected for the associated phenotype(s). Given the available evidence, this variant is classified as Likely Pathogenic.